The following is an entry in ClinVar:

ClinVar aggregate classification (germline): Uncertain significance (1 of 4 stars; one submission).

gnomAD v4.1: 4 of 1,613,884 alleles (0.00025%); highest among the groups gnomAD compares: Non-Finnish European, 0.00034%; no homozygotes.

Submission:

Ambry Genetics
Classification: Uncertain significance. Last evaluated: 2024-07-28. Review status: criteria provided, single submitter. Criteria: Ambry Variant Classification Scheme 2023. Collection method: clinical testing. Allele origin: germline.
Comment: The p.P67L variant (also known as c.200C>T), located in coding exon 2 of the BUB3 gene, results from a C to T substitution at nucleotide position 200. The proline at codon 67 is replaced by leucine, an amino acid with similar properties. This amino acid position is conserved. In addition, this alteration is predicted to be tolerated by in silico analysis. Based on the available evidence, the clinical significance of this variant remains unclear.

NM_004725.4(BUB3):c.200C>T (p.Pro67Leu)

Gene: BUB3 (BUB3 mitotic checkpoint protein; plus strand). Cytogenetic location: 10q26.13.
Variant type: single nucleotide variant.
Coding change: c.200C>T on transcript NM_004725.4 (MANE Select); coding-DNA position 200, C replaced by T.
Protein change: p.Pro67Leu; replaces proline 67 with leucine.
Molecular consequence: missense variant.
Genome position (GRCh38, 1-based): chr10:123,155,662, C>T. VCF-style: chr10-123155662-C-T. GRCh37 (hg19) VCF-style: chr10-124915178-C-T.
Other names: c.200C>T, p.Pro67Leu (NM_001007793.3); short protein forms P67L.
Identifiers: ClinVar variation 3483279 (VCV003483279.1).